The following is an entry in ClinVar:

ClinVar aggregate classification (germline): Likely benign. Review status: criteria provided, multiple submitters, no conflicts (2 of 4 stars). 3 submissions from 3 submitters: Likely benign (3). Last evaluated 2025-11-12.

Conditions:
Autosomal dominant nonsyndromic hearing loss 1. Also called: DEAFNESS, AUTOSOMAL DOMINANT 1, WITH OR WITHOUT THROMBOCYTOPENIA; KONIGSMARK SYNDROME. Identifiers: Orphanet 90635, MedGen C1852282, MONDO:0007424, OMIM 124900.
Progressive microcephaly-seizures-cortical blindness-developmental delay syndrome. Also called: Seizures, cortical blindness, and microcephaly syndrome. Identifiers: Orphanet 477814, MedGen C5567650, MONDO:0014714, OMIM 616632.

Allele frequency attached by ClinVar (database versions not stated): gnomAD 0.00011; gnomAD exomes 0.00011 and 0.00014; ExAC 0.00013; TOPMed 0.00021.
gnomAD v4.1: 176 of 1,614,258 alleles (0.011%); highest among the groups gnomAD compares: Admixed American, 0.082%; no homozygotes.

Submissions (3):

Labcorp Genetics (formerly Invitae), Labcorp
Classification: Likely benign for Progressive microcephaly-seizures-cortical blindness-developmental delay syndrome; Autosomal dominant nonsyndromic hearing loss 1. Last evaluated: 2025-11-12. Review status: criteria provided, single submitter. Criteria: Invitae Variant Classification Sherloc (09022015). Collection method: clinical testing. Allele origin: germline.

Blueprint Genetics
Classification: Likely benign. Last evaluated: 2024-09-05. Review status: criteria provided, single submitter. Criteria: ACMG Guidelines, 2015. Collection method: clinical testing. Allele origin: germline.

Laboratory for Molecular Medicine, Mass General Brigham Personalized Medicine
Classification: Likely benign. Last evaluated: 2017-06-22. Review status: criteria provided, single submitter. Criteria: LMM Criteria. Collection method: clinical testing. Allele origin: germline. Observed: 1 variant allele.
Comment: p.Ala962Ala in exon 22 of DIAPH1: This variant is not expected to have clinical significance because it does not alter an amino acid residue and is not located within the splice consensus sequence. This variant has been identified in 11/115 68 Latino chromosomes by the Exome Aggregation Consortium (ExAC; dbSNP rs750444501).

NM_005219.5(DIAPH1):c.2886T>C (p.Ala962=)

Gene: DIAPH1 (diaphanous related formin 1; minus strand). Cytogenetic location: 5q31.3.
Variant type: single nucleotide variant.
Coding change: c.2886T>C on transcript NM_005219.5 (MANE Select); coding-DNA position 2886, T replaced by C.
Protein change: p.Ala962=; no amino-acid change (alanine 962 retained).
Molecular consequence: synonymous variant.
Genome position (GRCh38, 1-based): chr5:141,528,834, A>G on the plus strand (T>C on the coding strand, the complement: DIAPH1 is on the minus strand). VCF-style: chr5-141528834-A-G. GRCh37 (hg19) VCF-style: chr5-140908401-A-G.
Other names: c.2859T>C, p.Ala953= (NM_001079812.3); c.2886T>C, p.Ala962= (NM_001314007.2).
Identifiers: ClinVar variation 475704 (VCV000475704.13), dbSNP rs750444501, ClinGen allele CA3478935.